The following is an entry in ClinVar:

ClinVar aggregate classification (germline): Uncertain significance (1 of 4 stars; one submission).

gnomAD v4.1: 1 of 1,245,554 alleles (0.00008%); highest among the groups gnomAD compares: South Asian, 0.0036%; no homozygotes.

Submission:

Labcorp Genetics (formerly Invitae), Labcorp
Classification: Uncertain significance. Last evaluated: 2024-03-01. Review status: criteria provided, single submitter. Criteria: Invitae Variant Classification Sherloc (09022015). Collection method: clinical testing. Allele origin: germline.
Comment: This sequence change replaces proline, which is neutral and non-polar, with leucine, which is neutral and non-polar, at codon 83 of the PDE4D protein (p.Pro83Leu). This variant is not present in population databases (gnomAD no frequency). This variant has not been reported in the literature in individuals affected with PDE4D-related conditions. An algorithm developed to predict the effect of missense changes on protein structure and function (PolyPhen-2) suggests that this variant is likely to be tolerated. In summary, the available evidence is currently insufficient to determine the role of this variant in disease. Therefore, it has been classified as a Variant of Uncertain Significance.

NM_001104631.2(PDE4D):c.248C>T (p.Pro83Leu)

Gene: PDE4D (phosphodiesterase 4D; minus strand). Cytogenetic location: 5q12.1.
Variant type: single nucleotide variant.
Coding change: c.248C>T on transcript NM_001104631.2 (MANE Select); coding-DNA position 248, C replaced by T.
Protein change: p.Pro83Leu; replaces proline 83 with leucine.
Molecular consequence: missense variant. On other transcripts: intron variant (5).
Genome position (GRCh38, 1-based): chr5:59,893,375, G>A on the plus strand (C>T on the coding strand, the complement: PDE4D is on the minus strand). VCF-style: chr5-59893375-G-A. GRCh37 (hg19) VCF-style: chr5-59189202-G-A.
Other names: c.272+95113C>T (NM_001364599.1, NM_001165899.2, NM_001364600.2); c.-240+95113C>T (NM_001349243.2); c.242+95113C>T (NM_001349241.2); short protein forms P83L.
Identifiers: ClinVar variation 3668249 (VCV003668249.2).